The following is an entry in ClinVar:

NM_001182.5(ALDH7A1):c.35C>T (p.Ala12Val)

Gene: ALDH7A1 (aldehyde dehydrogenase 7 family member A1; minus strand). Cytogenetic location: 5q23.2.
Variant type: single nucleotide variant.
Coding change: c.35C>T on transcript NM_001182.5 (MANE Select); coding-DNA position 35, C replaced by T.
Protein change: p.Ala12Val; replaces alanine 12 with valine.
Molecular consequence: missense variant. On other transcripts: 5 prime UTR variant (1).
Genome position (GRCh38, 1-based): chr5:126,595,164, G>A on the plus strand (C>T on the coding strand, the complement: ALDH7A1 is on the minus strand). VCF-style: chr5-126595164-G-A. GRCh37 (hg19) VCF-style: chr5-125930856-G-A.
Other names: c.-50C>T (NM_001201377.2); c.35C>T, p.Ala12Val (NM_001202404.2); short protein forms A12V.
Identifiers: ClinVar variation 1363815 (VCV001363815.5), dbSNP rs1465540247, ClinGen allele CA360733979.

ClinVar aggregate classification (germline): Uncertain significance (1 of 4 stars; one submission).

Conditions:
Pyridoxine-dependent epilepsy (EPEO4). Also called: Pyridoxine-Dependent Epilepsy - ALDH7A1; PYRIDOXINE DEPENDENCY WITH SEIZURES; EPILEPSY, EARLY-ONSET, 4, VITAMIN B6-DEPENDENT; Pyridoxine-Dependent Seizures. Identifiers: Orphanet 3006, MedGen C1849508, MONDO:0009945, OMIM 266100. Disease mechanism: loss of function.

Allele frequency attached by ClinVar (database versions not stated): gnomAD 0.00002.
gnomAD v4.1: 3 of 1,555,202 alleles (0.00019%); highest among the groups gnomAD compares: Non-Finnish European, 0.00026%; no homozygotes.

Submission:

Labcorp Genetics (formerly Invitae), Labcorp
Classification: Uncertain significance for Pyridoxine-dependent epilepsy. Last evaluated: 2021-09-04. Review status: criteria provided, single submitter. Criteria: Invitae Variant Classification Sherloc (09022015). Collection method: clinical testing. Allele origin: germline.
Comment: This sequence change replaces alanine with valine at codon 12 of the ALDH7A1 protein (p.Ala12Val). The alanine residue is weakly conserved and there is a small physicochemical difference between alanine and valine. This variant is not present in population databases (ExAC no frequency). This variant has not been reported in the literature in individuals affected with ALDH7A1-related conditions. Advanced modeling of protein sequence and biophysical properties (such as structural, functional, and spatial information, amino acid conservation, physicochemical variation, residue mobility, and thermodynamic stability) performed at Invitae indicates that this missense variant is not expected to disrupt ALDH7A1 protein function. In summary, the available evidence is currently insufficient to determine the role of this variant in disease. Therefore, it has been classified as a Variant of Uncertain Significance.